The following is an entry in ClinVar:

ClinVar aggregate classification (germline): Uncertain significance (1 of 4 stars; one submission).

Conditions:
Peroxisome biogenesis disorder 8B (PBD8B). Identifiers: Orphanet 44, MedGen C3553960, MONDO:0013943, OMIM 614877.

Submission:

Neuberg Centre For Genomic Medicine, NCGM
Classification: Uncertain significance for Peroxisome biogenesis disorder 8B. Last evaluated: 2023-06-22. Review status: criteria provided, single submitter. Criteria: ACMG Guidelines, 2015. Collection method: clinical testing. Allele origin: germline. Inheritance: Autosomal recessive inheritance. Affected: yes.
Comment: The observed missense c.830G>T(p.Arg277Leu) variant in PEX16 gene has been reported previously in compound heterozygous state in individual(s) affected with Zellweger syndrome spectrum disorders (Kumar et al., 2018). This variant is absent in gnomAD Exomes. The amino acid Arg at position 277 is changed to a Leu changing protein sequence and it might alter its composition and physico-chemical properties. The amino acid change p.Arg277Leu in PEX16 is predicted as conserved by GERP++ and PhyloP across 100 vertebrates. Multiple lines of computational evidence (Polyphen - Possibly Damaging, SIFT - Damaging, and MutationTaster - Disease causing) predict a damaging effect on protein structure and function for this variant. For these reasons, this variant has been classified as Uncertain Significance.

NM_004813.4(PEX16):c.830G>T (p.Arg277Leu)

Gene: PEX16 (peroxisomal biogenesis factor 16; minus strand). Cytogenetic location: 11p11.2.
Variant type: single nucleotide variant.
Coding change: c.830G>T on transcript NM_004813.4 (MANE Select); coding-DNA position 830, G replaced by T.
Protein change: p.Arg277Leu; replaces arginine 277 with leucine.
Molecular consequence: missense variant.
Genome position (GRCh38, 1-based): chr11:45,913,876, C>A on the plus strand (G>T on the coding strand, the complement: PEX16 is on the minus strand). VCF-style: chr11-45913876-C-A. GRCh37 (hg19) VCF-style: chr11-45935427-C-A.
Other names: c.830G>T, p.Arg277Leu (NM_057174.3); short protein forms R277L.
Identifiers: ClinVar variation 3377654 (VCV003377654.1).